The following is an entry in ClinVar:

NM_018972.4(GDAP1):c.400G>T (p.Asp134Tyr)

Gene: GDAP1 (ganglioside induced differentiation associated protein 1; plus strand). Cytogenetic location: 8q21.11.
Variant type: single nucleotide variant.
Coding change: c.400G>T on transcript NM_018972.4 (MANE Select); coding-DNA position 400, G replaced by T.
Protein change: p.Asp134Tyr; replaces aspartic acid 134 with tyrosine.
Molecular consequence: missense variant. On other transcripts: intron variant (1).
Genome position (GRCh38, 1-based): chr8:74,360,226, G>T. VCF-style: chr8-74360226-G-T. GRCh37 (hg19) VCF-style: chr8-75272461-G-T.
Other names: c.196G>T, p.Asp66Tyr (NM_001040875.4); c.73G>T, p.Asp25Tyr (NM_001362929.2, NM_001362932.2); c.400G>T, p.Asp134Tyr (NM_001362931.2); c.311-1658G>T (NM_001362930.2); short protein forms D134Y, D25Y, D66Y.
Identifiers: ClinVar variation 999118 (VCV000999118.8), dbSNP rs1809295867, ClinGen allele CA371548661.
Genomic context (GRCh38, chr8:74,360,226, plus strand): 5'-GAAAGCATGTATTACCCACGGGTACAACATTACCGAGAGCTGCTTGACTCCTTGCCAATG[G>T]ATGCCTATACACATGGCTGCATTTTACATCCTGAGTTAACTGTGGACTCCATGATCCCGG-3'
Protein context (NP_061845.2, residues 124-144): YRELLDSLPM[Asp134Tyr]AYTHGCILHP

ClinVar aggregate classification (germline): Uncertain significance (1 of 4 stars; one submission).

Conditions:
Charcot-Marie-Tooth disease type 4A. Also called: Charcot-Marie-Tooth disease, demyelinating, autosomal recessive, type 4a. Identifiers: Orphanet 99948, MedGen C1859198, MONDO:0008961, OMIM 214400.

Allele frequency attached by ClinVar (database versions not stated): gnomAD 0.00001.
gnomAD v4.1: 1 of 1,613,288 alleles (0.000062%); highest among the groups gnomAD compares: Non-Finnish European, 0.000085%; no homozygotes.

Submission:

Labcorp Genetics (formerly Invitae), Labcorp
Classification: Uncertain significance for Charcot-Marie-Tooth disease type 4A. Last evaluated: 2020-10-01. Review status: criteria provided, single submitter. Criteria: Invitae Variant Classification Sherloc (09022015). Collection method: clinical testing. Allele origin: germline.
Comment: This sequence change replaces aspartic acid with tyrosine at codon 134 of the GDAP1 protein (p.Asp134Tyr). The aspartic acid residue is highly conserved and there is a large physicochemical difference between aspartic acid and tyrosine. This variant is not present in population databases (ExAC no frequency). This variant has been observed in individual(s) with Charcot-Marie-Tooth disease (Invitae). Advanced modeling of protein sequence and biophysical properties (such as structural, functional, and spatial information, amino acid conservation, physicochemical variation, residue mobility, and thermodynamic stability) performed at Invitae indicates that this missense variant is expected to disrupt GDAP1 protein function. Algorithms developed to predict the effect of sequence changes on RNA splicing suggest that this variant may create or strengthen a splice site, but this prediction has not been confirmed by published transcriptional studies. In summary, the available evidence is currently insufficient to determine the role of this variant in disease. Therefore, it has been classified as a Variant of Uncertain Significance.